The following is an entry in ClinVar:

ClinVar aggregate classification (germline): Conflicting classifications of pathogenicity. Review status: criteria provided, conflicting classifications (1 of 4 stars). 2 submissions from 2 submitters: Pathogenic (1); Uncertain significance (1). Last evaluated 2024-01-19.

Conditions:
Hereditary cancer-predisposing syndrome. Also called: Hereditary Cancer Syndrome; Hereditary neoplastic syndrome; Neoplastic Syndromes, Hereditary; Tumor predisposition. Identifiers: Orphanet 140162, MedGen C0027672, MeSH D009386, MONDO:0015356.

Allele frequency attached by ClinVar (database versions not stated): gnomAD exomes below 0.00001.
gnomAD v4.1: 1 of 1,607,370 alleles (0.000062%); highest among the groups gnomAD compares: Non-Finnish European, 0.000085%; no homozygotes.

Submissions (2):

Labcorp Genetics (formerly Invitae), Labcorp
Classification: Pathogenic for Hereditary cancer-predisposing syndrome. Last evaluated: 2024-01-19. Review status: criteria provided, single submitter. Criteria: Invitae Variant Classification Sherloc (09022015). Collection method: clinical testing. Allele origin: germline.
Comment: This sequence change falls in intron 11 of the RAD50 gene. It does not directly change the encoded amino acid sequence of the RAD50 protein. RNA analysis indicates that this variant induces altered splicing and may result in an absent or disrupted protein product. This variant is not present in population databases (gnomAD no frequency). This variant has not been reported in the literature in individuals affected with RAD50-related conditions. ClinVar contains an entry for this variant (Variation ID: 216621). Variants that disrupt the consensus splice site are a relatively common cause of aberrant splicing (PMID: 17576681, 9536098). Studies have shown that this variant results in skipping of exon 11 and introduces a premature termination codon (Invitae). The resulting mRNA is expected to undergo nonsense-mediated decay. For these reasons, this variant has been classified as Pathogenic.

Ambry Genetics
Classification: Uncertain significance for Hereditary cancer-predisposing syndrome. Last evaluated: 2022-02-18. Review status: criteria provided, single submitter. Criteria: Ambry Variant Classification Scheme 2023. Collection method: clinical testing. Allele origin: germline.
Comment: The c.1793+4A>C intronic variant results from an A to C substitution 4 nucleotides after coding exon 11 in the RAD50 gene. This nucleotide position is well conserved in available vertebrate species. In silico splice site analysis predicts that this alteration may result in the creation or strengthening of a novel splice donor site; however, direct evidence is insufficient at this time (Ambry internal data). Since supporting evidence is limited at this time, the clinical significance of this alteration remains unclear.

Literature cited by the submitters: PubMed 17576681 (cited by Labcorp Genetics (formerly Invitae), Labcorp); PubMed 9536098 (cited by Labcorp Genetics (formerly Invitae), Labcorp).

NM_005732.4(RAD50):c.1793+4A>C

Gene: RAD50 (RAD50 double strand break repair protein; plus strand). Cytogenetic location: 5q31.1.
Variant type: single nucleotide variant.
Coding change: c.1793+4A>C on transcript NM_005732.4 (MANE Select); 4 bases into the intron after coding-DNA position 1793, A replaced by C.
Molecular consequence: intron variant.
Genome position (GRCh38, 1-based): chr5:132,592,038, A>C. VCF-style: chr5-132592038-A-C. GRCh37 (hg19) VCF-style: chr5-131927730-A-C.
Identifiers: ClinVar variation 216621 (VCV000216621.13), dbSNP rs863224738, ClinGen allele CA337237.